The following is an entry in ClinVar:

ClinVar aggregate classification (germline): Pathogenic (1 of 4 stars; one submission).

Submission:

Labcorp Genetics (formerly Invitae), Labcorp
Classification: Pathogenic. Last evaluated: 2023-11-27. Review status: criteria provided, single submitter. Criteria: Invitae Variant Classification Sherloc (09022015). Collection method: clinical testing. Allele origin: germline.
Comment: This sequence change creates a premature translational stop signal (p.His820Ilefs*13) in the ABCC2 gene. It is expected to result in an absent or disrupted protein product. Loss-of-function variants in ABCC2 are known to be pathogenic (PMID: 9185779, 16549534, 16952291). This variant is not present in population databases (gnomAD no frequency). This variant has not been reported in the literature in individuals affected with ABCC2-related conditions. For these reasons, this variant has been classified as Pathogenic.

Literature cited by the submitters: PubMed 9185779; PubMed 16549534; PubMed 16952291.

NM_000392.5(ABCC2):c.2458del (p.His820fs)

Gene: ABCC2 (ATP binding cassette subfamily C member 2; plus strand). Cytogenetic location: 10q24.2.
Variant type: Deletion.
Coding change: c.2458del on transcript NM_000392.5 (MANE Select); coding-DNA position 2458, one base deleted (C; older notation c.2458delC).
Protein change: p.His820fs; shifts the reading frame from histidine 820.
Molecular consequence: frameshift variant.
Genome position (GRCh38, 1-based): chr10:99,819,107, C deleted. VCF-style (leftmost placement, unchanged base first): chr10-99819106-AC-A. GRCh37 (hg19) VCF-style: chr10-101578863-AC-A.
Other names: short protein forms H820fs.
Identifiers: ClinVar variation 2699228 (VCV002699228.3), dbSNP rs2492967168, ClinGen allele CA2697558672.